The following is an entry in ClinVar:

ClinVar aggregate classification (germline): Benign. Review status: criteria provided, multiple submitters, no conflicts (2 of 4 stars). 2 submissions from 2 submitters: Benign (2). Last evaluated 2018-06-19.

Allele frequency attached by ClinVar (database versions not stated): 1000 Genomes Project 0.04493; 1000 Genomes Project 30x 0.04497; gnomAD 0.06827 and 0.06837; TOPMed 0.06992.
gnomAD v4.1: 69,996 of 943,992 alleles (7.4%); highest among the groups gnomAD compares: Middle Eastern, 17%; 3,052 homozygotes.

Submissions (2):

GeneDx
Classification: Benign. Last evaluated: 2018-06-19. Review status: criteria provided, single submitter. Criteria: GeneDx Variant Classification (06012015). Collection method: clinical testing. Allele origin: germline. Affected: yes.
Comment: This variant is considered likely benign or benign based on one or more of the following criteria: it is a conservative change, it occurs at a poorly conserved position in the protein, it is predicted to be benign by multiple in silico algorithms, and/or has population frequency not consistent with disease.

Breakthrough Genomics
Classification: Benign. Review status: criteria provided, single submitter. Criteria: ACMG Guidelines, 2015. Collection method: not provided. Allele origin: germline. Inheritance: Unknown mechanism. Affected: yes.

NM_006393.3(NEBL):c.1338+80A>G

Gene: NEBL (nebulette; minus strand). Cytogenetic location: 10p12.31.
Variant type: single nucleotide variant.
Coding change: c.1338+80A>G on transcript NM_006393.3 (MANE Select); 80 bases into the intron after coding-DNA position 1338, A replaced by G.
Molecular consequence: intron variant.
Genome position (GRCh38, 1-based): chr10:20,840,659, T>C on the plus strand (A>G on the coding strand, the complement: NEBL is on the minus strand). VCF-style: chr10-20840659-T-C. GRCh37 (hg19) VCF-style: chr10-21129588-T-C.
Other names: c.250-27719A>G (NM_001377326.1, NM_001377327.1, NM_001377328.1); c.358-27719A>G (NM_213569.2, NM_001173484.2, NM_001377322.1); c.301-27719A>G (NM_001377324.1); c.292-27719A>G (NM_001377325.1); c.310-27719A>G (NM_001377323.1).
Identifiers: ClinVar variation 671323 (VCV000671323.2), dbSNP rs41277368, ClinGen allele CA204170384.